The following is an entry in ClinVar:

ClinVar aggregate classification (germline): Uncertain significance (1 of 4 stars; one submission).

Conditions:
Cardiovascular phenotype. Identifiers: MedGen CN230736.

Submission:

Ambry Genetics
Classification: Uncertain significance for Cardiovascular phenotype. Last evaluated: 2023-12-29. Review status: criteria provided, single submitter. Criteria: Ambry Variant Classification Scheme 2023. Collection method: clinical testing. Allele origin: germline.
Comment: The p.L1225Q variant (also known as c.3674T>A), located in coding exon 6 of the ALPK3 gene, results from a T to A substitution at nucleotide position 3674. The leucine at codon 1225 is replaced by glutamine, an amino acid with dissimilar properties. This amino acid position is conserved. In addition, the in silico prediction for this alteration is inconclusive. Since supporting evidence is limited at this time, the clinical significance of this alteration remains unclear.

NM_020778.5(ALPK3):c.3068T>A (p.Leu1023Gln)

Gene: ALPK3 (alpha kinase 3; plus strand). Cytogenetic location: 15q25.3.
Variant type: single nucleotide variant.
Coding change: c.3068T>A on transcript NM_020778.5 (MANE Select); coding-DNA position 3068, T replaced by A.
Protein change: p.Leu1023Gln; replaces leucine 1023 with glutamine.
Molecular consequence: missense variant.
Genome position (GRCh38, 1-based): chr15:84,857,806, T>A. VCF-style: chr15-84857806-T-A. GRCh37 (hg19) VCF-style: chr15-85401037-T-A.
Other names: short protein forms L1023Q.
Identifiers: ClinVar variation 3227473 (VCV003227473.1), dbSNP rs34396951, ClinGen allele CA393359536.